The following is an entry in ClinVar:

NM_182961.4(SYNE1):c.22135G>A (p.Asp7379Asn)

Gene: SYNE1 (spectrin repeat containing nuclear envelope protein 1; minus strand). Cytogenetic location: 6q25.2.
Variant type: single nucleotide variant.
Coding change: c.22135G>A on transcript NM_182961.4 (MANE Select); coding-DNA position 22135, G replaced by A.
Protein change: p.Asp7379Asn; replaces aspartic acid 7379 with asparagine.
Molecular consequence: missense variant.
Genome position (GRCh38, 1-based): chr6:152,218,313, C>T on the plus strand (G>A on the coding strand, the complement: SYNE1 is on the minus strand). VCF-style: chr6-152218313-C-T. GRCh37 (hg19) VCF-style: chr6-152539448-C-T.
Other names: c.21922G>A, p.Asp7308Asn (NM_033071.5); short protein forms D7379N, D7308N.
Identifiers: ClinVar variation 2096580 (VCV002096580.2), dbSNP rs771546072, ClinGen allele CA4053957.

ClinVar aggregate classification (germline): Uncertain significance. Review status: criteria provided, multiple submitters, no conflicts (2 of 4 stars). 2 submissions from 2 submitters: Uncertain significance (2). Last evaluated 2022-06-14.

Conditions:
Emery-Dreifuss muscular dystrophy 4, autosomal dominant (EDMD4). Also called: EMERY-DREIFUSS MUSCULAR DYSTROPHY 4 WITH VARIABLE FEATURES. Identifiers: Orphanet 261, MedGen C2751807, MONDO:0013071, OMIM 612998.
Arthrogryposis multiplex congenita 3, myogenic type. Also called: ARTHROGRYPOSIS MULTIPLEX CONGENITA, MYOGENIC TYPE. Identifiers: MedGen C5193121, MONDO:0032778, OMIM 618484.
Autosomal recessive ataxia, Beauce type. Also called: SYNE1 Deficiency; Spinocerebellar ataxia, autosomal recessive 8; ATAXIA, RECESSIVE, OF BEAUCE; SYNE1-Related Autosomal Recessive Cerebellar Ataxia. Identifiers: Orphanet 88644, MedGen C1853116, MONDO:0012549, OMIM 610743.

Allele frequency attached by ClinVar (database versions not stated): ExAC 0.00002.
gnomAD v4.1: 7 of 1,614,064 alleles (0.00043%); highest among the groups gnomAD compares: Non-Finnish European, 0.00059%; no homozygotes.

Submissions (2):

Labcorp Genetics (formerly Invitae), Labcorp
Classification: Uncertain significance for Emery-Dreifuss muscular dystrophy 4, autosomal dominant; Autosomal recessive ataxia, Beauce type. Last evaluated: 2022-06-14. Review status: criteria provided, single submitter. Criteria: Invitae Variant Classification Sherloc (09022015). Collection method: clinical testing. Allele origin: germline.
Comment: This sequence change replaces aspartic acid, which is acidic and polar, with asparagine, which is neutral and polar, at codon 7308 of the SYNE1 protein (p.Asp7308Asn). This variant is present in population databases (rs771546072, gnomAD 0.003%). This variant has not been reported in the literature in individuals affected with SYNE1-related conditions. Algorithms developed to predict the effect of missense changes on protein structure and function are either unavailable or do not agree on the potential impact of this missense change (SIFT: "Deleterious"; PolyPhen-2: "Probably Damaging"; Align-GVGD: "Class C15"). In summary, the available evidence is currently insufficient to determine the role of this variant in disease. Therefore, it has been classified as a Variant of Uncertain Significance.

Department of Pathology and Laboratory Medicine, Sinai Health System
Classification: Uncertain significance for Autosomal recessive ataxia, Beauce type; Emery-Dreifuss muscular dystrophy 4, autosomal dominant; Arthrogryposis multiplex congenita 3, myogenic type. Last evaluated: 2021-12-16. Review status: criteria provided, single submitter. Criteria: ACMG Guidelines, 2015. Collection method: research. Allele origin: germline.